The following is an entry in ClinVar:

ClinVar aggregate classification (germline): Likely benign (1 of 4 stars; one submission).

Allele frequency attached by ClinVar (database versions not stated): gnomAD 0.00001; gnomAD exomes 0.00001; ExAC 0.00002.
gnomAD v4.1: 15 of 1,613,634 alleles (0.00093%); highest among the groups gnomAD compares: South Asian, 0.0044%; no homozygotes.

Submission:

Women's Health and Genetics/Laboratory Corporation of America, LabCorp
Classification: Likely benign. Last evaluated: 2024-04-25. Review status: criteria provided, single submitter. Criteria: LabCorp Variant Classification Summary - May 2015. Collection method: clinical testing. Allele origin: germline.
Comment: Variant summary: VWF c.6902-16C>T alters a non-conserved nucleotide located at a position not widely known to affect splicing. Consensus agreement among computation tools predict no significant impact on normal splicing. However, these predictions have yet to be confirmed by functional studies. The variant allele was found at a frequency of 1.2e-05 in 251352 control chromosomes. The available data on variant occurrences in the general population are insufficient to allow any conclusion about variant significance. To our knowledge, no occurrence of c.6902-16C>T in individuals affected with Von Willebrand Disease and no experimental evidence demonstrating its impact on protein function have been reported. No submitters have cited clinical-significance assessments for this variant to ClinVar. Based on the evidence outlined above, the variant was classified as likely benign.

NM_000552.5(VWF):c.6902-16C>T

Gene: VWF (von Willebrand factor; minus strand). Cytogenetic location: 12p13.31.
Variant type: single nucleotide variant.
Coding change: c.6902-16C>T on transcript NM_000552.5 (MANE Select); 16 bases into the intron before coding-DNA position 6902, C replaced by T.
Molecular consequence: intron variant.
Genome position (GRCh38, 1-based): chr12:5,985,135, G>A on the plus strand (C>T on the coding strand, the complement: VWF is on the minus strand). VCF-style: chr12-5985135-G-A. GRCh37 (hg19) VCF-style: chr12-6094301-G-A.
Identifiers: ClinVar variation 3251682 (VCV003251682.1), dbSNP rs780234819.
Genomic context (GRCh38, chr12:5,985,135, plus strand): 5'-CATTCTGGCGGAGGCGGGCTACTTCACACAGGCCACACGTGGGAGCTAGAGGAGAGGAAC[G>A]GCCACAAAAGTCAGAGAAATTAGTGGTGGGACAGCCTCAGAGGGATTTGAAATGTTCTTG-3'